The following is an entry in ClinVar:

ClinVar aggregate classification (germline): Uncertain significance. Review status: criteria provided, multiple submitters, no conflicts (2 of 4 stars). 2 submissions from 2 submitters: Uncertain significance (2). Last evaluated 2025-06-01.

Conditions:
Inborn genetic diseases. Identifiers: MedGen C0950123, MeSH D030342.

Submissions (2):

CeGaT Center for Human Genetics Tuebingen
Classification: Uncertain significance. Last evaluated: 2025-06-01. Review status: criteria provided, single submitter. Criteria: CeGaT Center For Human Genetics Tuebingen Variant Classification Criteria Version 2. Collection method: clinical testing. Allele origin: germline. Affected: yes. Observed: 1 variant allele.
Comment: TANC2: PM4

Ambry Genetics
Classification: Uncertain significance for Inborn genetic diseases. Last evaluated: 2021-03-23. Review status: criteria provided, single submitter. Criteria: Ambry Variant Classification Scheme 2023. Collection method: clinical testing. Allele origin: germline.
Comment: The c.4136_4144delAGCAGCCAC (p.Q1379_P1381del) alteration is located in exon 25 (coding exon 25) of the TANC2 gene. This alteration consists of an in-frame deletion of 9 nucleotides between nucleotide positions c.4136 and c.4144, resulting in the deletion of <NA> residues. Based on insufficient or conflicting evidence, the clinical significance of this alteration remains unclear.

NM_001394998.1(TANC2):c.4379AGCAGCCAC[1] (p.1460QQP[1])

Gene: TANC2 (tetratricopeptide repeat, ankyrin repeat and coiled-coil containing 2; plus strand). Cytogenetic location: 17q23.3.
Variant type: Microsatellite.
Coding change: c.4379AGCAGCCAC[1] on transcript NM_001394998.1 (MANE Select); one copy of the 9-base unit AGCAGCCAC starting at c.4379; the reference has two copies in a row; one copy, 9 bases deleted.
Protein change: p.1460QQP[1].
Molecular consequence: inframe deletion. On other transcripts: inframe indel (1).
Genome position (GRCh38, 1-based): chr17:63,420,118-63,420,126, AGCAGCCAC deleted; deleting any 9 consecutive bases within chr17:63,420,108-63,420,126 gives the same sequence; the position shown is the placement nearest the transcript's 3' end. VCF-style (leftmost placement, unchanged base first): chr17-63420107-GCAGCAGCCA-G. GRCh37 (hg19) VCF-style: chr17-61497468-GCAGCAGCCA-G.
Other names: c.4157_4165AGCAGCCAC[1], p.Gln1389_Pro1391del (NM_001411076.1); c.4127AGCAGCCAC[1], p.1376QQP[1] (NM_025185.4).
Identifiers: ClinVar variation 2402203 (VCV002402203.10), dbSNP rs758125869, ClinGen allele CA2576349632.